The following is an entry in ClinVar:

NM_170784.3(MKKS):c.1549C>T (p.Arg517Cys)

Gene: MKKS (MKKS centrosomal shuttling protein; minus strand). Cytogenetic location: 20p12.2.
Variant type: single nucleotide variant.
Coding change: c.1549C>T on transcript NM_170784.3 (MANE Select); coding-DNA position 1549, C replaced by T.
Protein change: p.Arg517Cys; replaces arginine 517 with cysteine.
Molecular consequence: missense variant. On other transcripts: non-coding transcript variant (1).
Genome position (GRCh38, 1-based): chr20:10,405,411, G>A on the plus strand (C>T on the coding strand, the complement: MKKS is on the minus strand). VCF-style: chr20-10405411-G-A. GRCh37 (hg19) VCF-style: chr20-10386059-G-A.
Other names: c.1549C>T, p.Arg517Cys (NM_018848.3); short protein forms R517C.
Identifiers: ClinVar variation 95922 (VCV000095922.28), dbSNP rs1547, ClinGen allele CA149043.
Genomic context (GRCh38, chr20:10,405,411, plus strand): 5'-GGTTGCTGGCTGAGCCCACAGCTTCATGTGGAAGGCAGCTTTGTGGCACAAATGGACGAC[G>A]TGTGCTTCTTAAGAAAGACCAGTTGAGTTCTTCCTGGCTATTGTATAATCCACAGCCACA-3'
Protein context (NP_740754.1, residues 507-527): ELNWSFLRST[Arg517Cys]RPFVPQSCLP

ClinVar aggregate classification (germline): Benign. Review status: criteria provided, multiple submitters, no conflicts (2 of 4 stars). 12 submissions from 11 submitters: Benign (9). 3 of the submissions do not count toward it. Last evaluated 2026-02-04.

Conditions:
Bardet-Biedl syndrome (BBS). Identifiers: Orphanet 110, MedGen C0752166, MONDO:0015229.
McKusick-Kaufman syndrome (MKKS). Also called: HYDROMETROCOLPOS SYNDROME; HYDROMETROCOLPOS, POSTAXIAL POLYDACTYLY, AND CONGENITAL HEART MALFORMATION. Identifiers: Orphanet 2473, MedGen C0948368, MONDO:0009367, OMIM 236700.
Bardet-Biedl syndrome 6 (BBS6). Identifiers: Orphanet 110, MedGen C1858054, MONDO:0011523, OMIM 605231.

Allele frequency attached by ClinVar (database versions not stated): ESP Exome Variant Server 0.13217; ExAC 0.14412; gnomAD 0.14588 and 0.14159; gnomAD exomes 0.12406 and 0.14093; TOPMed 0.14477; 1000 Genomes Project 30x 0.19285; 1000 Genomes Project 0.19509.
gnomAD v4.1: 204,051 of 1,613,998 alleles (13%); highest among the groups gnomAD compares: East Asian, 25%; 14,469 homozygotes.

Submissions (12):

Labcorp Genetics (formerly Invitae), Labcorp
Classification: Benign for McKusick-Kaufman syndrome; Bardet-Biedl syndrome. Last evaluated: 2026-02-04. Review status: criteria provided, single submitter. Criteria: Invitae Variant Classification Sherloc (09022015). Collection method: clinical testing. Allele origin: germline.

Blueprint Genetics
Classification: Benign. Last evaluated: 2024-11-28. Review status: criteria provided, single submitter. Criteria: ACMG Guidelines, 2015. Collection method: clinical testing. Allele origin: germline.

Mayo Clinic Laboratories, Mayo Clinic
Classification: Benign. Last evaluated: 2022-03-09. Review status: criteria provided, single submitter. Criteria: ACMG Guidelines, 2015. Collection method: clinical testing. Allele origin: germline. Observed: 18 variant alleles.

GeneDx
Classification: Benign. Last evaluated: 2019-07-17. Review status: criteria provided, single submitter. Criteria: GeneDx Variant Classification Process June 2021. Collection method: clinical testing. Allele origin: germline. Affected: yes.

Illumina Laboratory Services, Illumina
Classification: Benign for Bardet-Biedl syndrome 6. Last evaluated: 2018-01-12. Review status: criteria provided, single submitter. Criteria: ICSL Variant Classification Criteria 13 December 2019. Collection method: clinical testing. Allele origin: germline.
Comment: This variant was observed in the ICSL laboratory as part of a predisposition screen in an ostensibly healthy population. It had not been previously curated by ICSL or reported in the Human Gene Mutation Database (HGMD: prior to June 1st, 2018), and was therefore a candidate for classification through an automated scoring system. Utilizing variant allele frequency, disease prevalence and penetrance estimates, and inheritance mode, an automated score was calculated to assess if this variant is too frequent to cause the disease. Based on the score and internal cut-off values, a variant classified as benign is not then subjected to further curation. The score for this variant resulted in a classification of benign for this disease.

Illumina Laboratory Services, Illumina
Classification: Benign for McKusick-Kaufman syndrome. Last evaluated: 2018-01-12. Review status: criteria provided, single submitter. Criteria: ICSL Variant Classification Criteria 13 December 2019. Collection method: clinical testing. Allele origin: germline.
Comment: the same text as in the submission from Illumina Laboratory Services, Illumina above.

Eurofins Ntd Llc (ga)
Classification: Benign. Last evaluated: 2013-09-10. Review status: criteria provided, single submitter. Criteria: EGL Classification Definitions 2015. Collection method: clinical testing. Allele origin: germline. Observed: 1 variant allele, 1 heterozygote.

Breakthrough Genomics
Classification: Benign. Review status: criteria provided, single submitter. Criteria: ACMG Guidelines, 2015. Collection method: not provided. Allele origin: germline. Inheritance: Autosomal recessive inheritance. Affected: yes.

PreventionGenetics, part of Exact Sciences
Classification: Benign. Review status: criteria provided, single submitter. Criteria: ACMG Guidelines, 2015. Collection method: clinical testing. Allele origin: germline.

Clinical Genetics DNA and cytogenetics Diagnostics Lab, Erasmus MC, Erasmus Medical Center
Classification: Benign. Review status: no assertion criteria provided. Collection method: clinical testing. Allele origin: germline. Affected: yes. Study: VKGL Data-share Consensus. Not counted in ClinVar's aggregate classification.

Genome Diagnostics Laboratory, University Medical Center Utrecht
Classification: Benign. Review status: no assertion criteria provided. Collection method: clinical testing. Allele origin: germline. Affected: yes. Study: VKGL Data-share Consensus. Not counted in ClinVar's aggregate classification.

Joint Genome Diagnostic Labs from Nijmegen and Maastricht, Radboudumc and MUMC+
Classification: Benign. Review status: no assertion criteria provided. Collection method: clinical testing. Allele origin: germline. Affected: yes. Study: VKGL Data-share Consensus. Not counted in ClinVar's aggregate classification.